The following is an entry in ClinVar:

ClinVar aggregate classification (germline): Benign/Likely benign. Review status: criteria provided, multiple submitters, no conflicts (2 of 4 stars). 2 submissions from 2 submitters: Benign (1); Likely benign (1). Last evaluated 2026-07-01.

Allele frequency attached by ClinVar (database versions not stated): ESP Exome Variant Server 0.00008; gnomAD exomes 0.00009; gnomAD 0.00014; TOPMed 0.00025; ExAC 0.00036; 1000 Genomes Project 30x 0.00078; 1000 Genomes Project 0.00080.
gnomAD v4.1: 153 of 1,613,274 alleles (0.0095%); highest among the groups gnomAD compares: East Asian, 0.23%; 1 homozygote.

Submissions (2):

CeGaT Center for Human Genetics Tuebingen
Classification: Likely benign. Last evaluated: 2026-07-01. Review status: criteria provided, single submitter. Criteria: CeGaT Center For Human Genetics Tuebingen Variant Classification Criteria Version 2. Collection method: clinical testing. Allele origin: germline. Affected: yes. Observed: 3 variant alleles.
Comment: CACNA1G: BP4, BP7, BS1

Labcorp Genetics (formerly Invitae), Labcorp
Classification: Benign. Last evaluated: 2025-06-29. Review status: criteria provided, single submitter. Criteria: Invitae Variant Classification Sherloc (09022015). Collection method: clinical testing. Allele origin: germline.

NM_018896.5(CACNA1G):c.7098C>T (p.Ser2366=)

Gene: CACNA1G (calcium voltage-gated channel subunit alpha1 G; plus strand). Cytogenetic location: 17q21.33.
Variant type: single nucleotide variant.
Coding change: c.7098C>T on transcript NM_018896.5 (MANE Select); coding-DNA position 7098, C replaced by T.
Protein change: p.Ser2366=; no amino-acid change (serine 2366 retained).
Molecular consequence: synonymous variant. On other transcripts: non-coding transcript variant (5).
Genome position (GRCh38, 1-based): chr17:50,626,715, C>T. VCF-style: chr17-50626715-C-T. GRCh37 (hg19) VCF-style: chr17-48704076-C-T.
Other names: c.6909C>T, p.Ser2303= (NM_001256324.2); c.6840C>T, p.Ser2280= (NM_001256325.2); c.6828C>T, p.Ser2276= (NM_001256326.2); c.6798C>T, p.Ser2266= (NM_001256327.2); c.6744C>T, p.Ser2248= (NM_001256328.2); c.6717C>T, p.Ser2239= (NM_001256329.2, NM_198387.3); c.6684C>T, p.Ser2228= (NM_001256330.2); c.6663C>T, p.Ser2221= (NM_001256331.2); and 18 more.
Identifiers: ClinVar variation 2136378 (VCV002136378.28), dbSNP rs117525647, ClinGen allele CA8653808.